The following is an entry in ClinVar:

ClinVar aggregate classification (germline): Uncertain significance (1 of 4 stars; one submission).

Allele frequency attached by ClinVar (database versions not stated): gnomAD exomes below 0.00001 and 0.00001; ExAC 0.00001; TOPMed 0.00001; gnomAD 0.00002.
gnomAD v4.1: 5 of 1,613,932 alleles (0.00031%); highest among the groups gnomAD compares: Non-Finnish European, 0.00042%; no homozygotes.

Submission:

Labcorp Genetics (formerly Invitae), Labcorp
Classification: Uncertain significance. Last evaluated: 2022-10-13. Review status: criteria provided, single submitter. Criteria: Invitae Variant Classification Sherloc (09022015). Collection method: clinical testing. Allele origin: germline.
Comment: In summary, the available evidence is currently insufficient to determine the role of this variant in disease. Therefore, it has been classified as a Variant of Uncertain Significance. Algorithms developed to predict the effect of missense changes on protein structure and function (SIFT, PolyPhen-2, Align-GVGD) all suggest that this variant is likely to be tolerated. ClinVar contains an entry for this variant (Variation ID: 1512361). This variant has not been reported in the literature in individuals affected with AGBL5-related conditions. This variant is present in population databases (rs771708438, gnomAD 0.002%). This sequence change replaces glutamine, which is neutral and polar, with histidine, which is basic and polar, at codon 701 of the AGBL5 protein (p.Gln701His).

NM_021831.6(AGBL5):c.2103G>C (p.Gln701His)

Gene: AGBL5 (AGBL carboxypeptidase 5; plus strand). Cytogenetic location: 2p23.3.
Variant type: single nucleotide variant.
Coding change: c.2103G>C on transcript NM_021831.6 (MANE Select); coding-DNA position 2103, G replaced by C.
Protein change: p.Gln701His; replaces glutamine 701 with histidine.
Molecular consequence: missense variant. On other transcripts: non-coding transcript variant (2).
Genome position (GRCh38, 1-based): chr2:27,067,507, G>C. VCF-style: chr2-27067507-G-C. GRCh37 (hg19) VCF-style: chr2-27290375-G-C.
Other names: short protein forms Q701H.
Identifiers: ClinVar variation 1512361 (VCV001512361.6), dbSNP rs771708438, ClinGen allele CA1568096.
Genomic context (GRCh38, chr2:27,067,507, plus strand): 5'-TGCCCCACTTATTTGCCCTTTTATCTGCTTGTATCTCTTCCACTCAGAGCCCCGAAGCCA[G>C]GACAGGAGACGGCAGCAGCAGCCCCTGAACCATCGTCCTGCAGGCAGCCTCGCTCCATCC-3'
Protein context (NP_068603.4, residues 691-711): VLGPVREPRS[Gln701His]DRRRQQQPLN